The following is an entry in ClinVar:

NM_018418.5(SPATA7):c.571C>T (p.Arg191Trp)

Gene: SPATA7 (spermatogenesis associated 7; plus strand). Cytogenetic location: 14q31.3.
Variant type: single nucleotide variant.
Coding change: c.571C>T on transcript NM_018418.5 (MANE Select); coding-DNA position 571, C replaced by T.
Protein change: p.Arg191Trp; replaces arginine 191 with tryptophan.
Molecular consequence: missense variant.
Genome position (GRCh38, 1-based): chr14:88,426,430, C>T. VCF-style: chr14-88426430-C-T. GRCh37 (hg19) VCF-style: chr14-88892774-C-T.
Other names: c.571C>T (NM_018418.4); c.475C>T, p.Arg159Trp (NM_001040428.4); short protein forms R159W, R191W.
Identifiers: ClinVar variation 1423721 (VCV001423721.6), dbSNP rs768436771, ClinGen allele CA7298555.

ClinVar aggregate classification (germline): Uncertain significance. Review status: criteria provided, multiple submitters, no conflicts (2 of 4 stars). 3 submissions from 3 submitters: Uncertain significance (3). Last evaluated 2026-06-04.

Conditions:
Leber congenital amaurosis 3 (LCA3). Also called: SPATA7-Related Retinitis Pigmentosa. Identifiers: MedGen C1858677, MONDO:0011415, OMIM 604232.
SPATA7-related disorder. Also called: SPATA7-related disorders; SPATA7-related condition. Identifiers: MedGen CN239422.
Inborn genetic diseases. Identifiers: MedGen C0950123, MeSH D030342.

Allele frequency attached by ClinVar (database versions not stated): ExAC 0.00004; gnomAD 0.00004 and 0.00003; gnomAD exomes 0.00002; TOPMed 0.00003.
gnomAD v4.1: 34 of 1,614,038 alleles (0.0021%); highest among the groups gnomAD compares: African/African-American, 0.0053%; no homozygotes.

Submissions (3):

PreventionGenetics, part of Exact Sciences
Classification: Uncertain significance for SPATA7-related condition. Last evaluated: 2026-06-04. Review status: criteria provided, single submitter. Criteria: ACMG Guidelines, 2015. Collection method: clinical testing. Allele origin: germline.
Comment: The SPATA7 c.571C>T variant is predicted to result in the amino acid substitution p.Arg191Trp. To our knowledge, this variant has not been reported in the literature. This variant is reported in 0.012% of alleles in individuals of African descent in gnomAD. At this time, the clinical significance of this variant is uncertain due to the absence of conclusive functional and genetic evidence.

Labcorp Genetics (formerly Invitae), Labcorp
Classification: Uncertain significance for Leber congenital amaurosis 3. Last evaluated: 2025-09-02. Review status: criteria provided, single submitter. Criteria: Invitae Variant Classification Sherloc (09022015). Collection method: clinical testing. Allele origin: germline.
Comment: This sequence change replaces arginine, which is basic and polar, with tryptophan, which is neutral and slightly polar, at codon 191 of the SPATA7 protein (p.Arg191Trp). This variant is present in population databases (rs768436771, gnomAD 0.008%). This variant has not been reported in the literature in individuals affected with SPATA7-related conditions. ClinVar contains an entry for this variant (Variation ID: 1423721). Invitae Evidence Modeling of protein sequence and biophysical properties (such as structural, functional, and spatial information, amino acid conservation, physicochemical variation, residue mobility, and thermodynamic stability) indicates that this missense variant is expected to disrupt SPATA7 protein function with a positive predictive value of 80%. In summary, the available evidence is currently insufficient to determine the role of this variant in disease. Therefore, it has been classified as a Variant of Uncertain Significance.

Ambry Genetics
Classification: Uncertain significance for Inborn genetic diseases. Last evaluated: 2025-05-14. Review status: criteria provided, single submitter. Criteria: Ambry Variant Classification Scheme 2023. Collection method: clinical testing. Allele origin: germline.